The following is an entry in ClinVar:

NM_001605.3(AARS1):c.1043C>T (p.Thr348Met)

Gene: AARS1 (alanyl-tRNA synthetase 1; minus strand). Cytogenetic location: 16q22.1.
Variant type: single nucleotide variant.
Coding change: c.1043C>T on transcript NM_001605.3 (MANE Select); coding-DNA position 1043, C replaced by T.
Protein change: p.Thr348Met; replaces threonine 348 with methionine.
Molecular consequence: missense variant.
Genome position (GRCh38, 1-based): chr16:70,268,299, G>A on the plus strand (C>T on the coding strand, the complement: AARS1 is on the minus strand). VCF-style: chr16-70268299-G-A. GRCh37 (hg19) VCF-style: chr16-70302202-G-A.
Other names: short protein forms T348M.
Identifiers: ClinVar variation 810831 (VCV000810831.31), dbSNP rs762241422, ClinGen allele CA8140948.

ClinVar aggregate classification (germline): Uncertain significance. Review status: criteria provided, multiple submitters, no conflicts (2 of 4 stars). 5 submissions from 5 submitters: Uncertain significance (5). Last evaluated 2025-10-17.

Conditions:
Inborn genetic diseases. Identifiers: MedGen C0950123, MeSH D030342.
Charcot-Marie-Tooth disease. Also called: Charcot-Marie-Tooth Neuropathy; Charcot-Marie-Tooth Hereditary Neuropathy. Identifiers: Orphanet 166, MedGen C0007959, MONDO:0015626.
Charcot-Marie-Tooth disease type 2. Also called: Charcot-Marie-Tooth type 2. Identifiers: Orphanet 64746, MedGen C0270914, MONDO:0018993.
Charcot-Marie-Tooth disease axonal type 2N (CMT2N). Also called: CHARCOT-MARIE-TOOTH DISEASE, AXONAL, AUTOSOMAL DOMINANT, TYPE 2N; CHARCOT-MARIE-TOOTH NEUROPATHY, AXONAL, TYPE 2N; Charcot-Marie-Tooth Neuropathy Type 2N. Identifiers: Orphanet 228174, MedGen C2750090, MONDO:0013212, OMIM 613287.

Allele frequency attached by ClinVar (database versions not stated): gnomAD 0.00002; gnomAD exomes 0.00002 and 0.00003; TOPMed 0.00003; ExAC 0.00002.

Submissions (5):

Labcorp Genetics (formerly Invitae), Labcorp
Classification: Uncertain significance for Charcot-Marie-Tooth disease type 2. Last evaluated: 2025-10-17. Review status: criteria provided, single submitter. Criteria: Invitae Variant Classification Sherloc (09022015). Collection method: clinical testing. Allele origin: germline.
Comment: This sequence change replaces threonine, which is neutral and polar, with methionine, which is neutral and non-polar, at codon 348 of the AARS protein (p.Thr348Met). This variant is present in population databases (rs762241422, gnomAD 0.004%). This missense change has been observed in individual(s) with clinical features of Charcot-Marie-Tooth disease (PMID: 32376792). ClinVar contains an entry for this variant (Variation ID: 810831). Invitae Evidence Modeling of protein sequence and biophysical properties (such as structural, functional, and spatial information, amino acid conservation, physicochemical variation, residue mobility, and thermodynamic stability) indicates that this missense variant is not expected to disrupt AARS protein function with a negative predictive value of 95%. In summary, the available evidence is currently insufficient to determine the role of this variant in disease. Therefore, it has been classified as a Variant of Uncertain Significance.

CeGaT Center for Human Genetics Tuebingen
Classification: Uncertain significance. Last evaluated: 2024-07-01. Review status: criteria provided, single submitter. Criteria: CeGaT Center For Human Genetics Tuebingen Variant Classification Criteria Version 2. Collection method: clinical testing. Allele origin: germline. Affected: yes. Observed: 1 variant allele.
Comment: AARS1: PM2

Ambry Genetics
Classification: Uncertain significance for Inborn genetic diseases. Last evaluated: 2021-02-23. Review status: criteria provided, single submitter. Criteria: Ambry Variant Classification Scheme 2023. Collection method: clinical testing. Allele origin: germline.
Comment: The p.T348M variant (also known as c.1043C>T), located in coding exon 7 of the AARS gene, results from a C to T substitution at nucleotide position 1043. The threonine at codon 348 is replaced by methionine, an amino acid with similar properties. This amino acid position is well conserved in available vertebrate species. In addition, the in silico prediction for this alteration is inconclusive. Since supporting evidence is limited at this time, the clinical significance of this alteration remains unclear.

Illumina Laboratory Services, Illumina
Classification: Uncertain significance for Charcot-Marie-Tooth disease axonal type 2N. Last evaluated: 2017-04-28. Review status: criteria provided, single submitter. Criteria: ICSL Variant Classification Criteria 13 December 2019. Collection method: clinical testing. Allele origin: germline.

Molecular Genetics Laboratory, London Health Sciences Centre
Classification: Uncertain significance for Charcot-Marie-Tooth disease. Review status: criteria provided, single submitter. Criteria: ACMG Guidelines, 2015. Collection method: clinical testing. Allele origin: germline. Affected: yes.

Literature cited by the submitters: PubMed 32376792 (cited by Labcorp Genetics (formerly Invitae), Labcorp).